The following is an entry in ClinVar:

ClinVar aggregate classification (germline): Uncertain significance. Review status: criteria provided, multiple submitters, no conflicts (2 of 4 stars). 2 submissions from 2 submitters: Uncertain significance (2). Last evaluated 2025-02-12.

Allele frequency attached by ClinVar (database versions not stated): gnomAD exomes below 0.00001; gnomAD 0.00001; TOPMed 0.00001; ExAC 0.00002; 1000 Genomes Project 30x 0.00016; 1000 Genomes Project 0.00020.
gnomAD v4.1: 5 of 1,608,410 alleles (0.00031%); highest among the groups gnomAD compares: East Asian, 0.0067%; no homozygotes.

Submissions (2):

Ambry Genetics
Classification: Uncertain significance. Last evaluated: 2025-02-12. Review status: criteria provided, single submitter. Criteria: Ambry Variant Classification Scheme 2023. Collection method: clinical testing. Allele origin: germline.

Labcorp Genetics (formerly Invitae), Labcorp
Classification: Uncertain significance. Last evaluated: 2023-05-24. Review status: criteria provided, single submitter. Criteria: Invitae Variant Classification Sherloc (09022015). Collection method: clinical testing. Allele origin: germline.
Comment: In summary, the available evidence is currently insufficient to determine the role of this variant in disease. Therefore, it has been classified as a Variant of Uncertain Significance. An algorithm developed to predict the effect of missense changes on protein structure and function (PolyPhen-2) suggests that this variant is likely to be tolerated. This variant has not been reported in the literature in individuals affected with NAF1-related conditions. This variant is present in population databases (rs575910447, gnomAD 0.04%). This sequence change replaces histidine, which is basic and polar, with glutamine, which is neutral and polar, at codon 261 of the NAF1 protein (p.His261Gln).

NM_138386.3(NAF1):c.783C>A (p.His261Gln)

Gene: NAF1 (nuclear assembly factor 1 ribonucleoprotein; minus strand). Cytogenetic location: 4q32.2.
Variant type: single nucleotide variant.
Coding change: c.783C>A on transcript NM_138386.3 (MANE Select); coding-DNA position 783, C replaced by A.
Protein change: p.His261Gln; replaces histidine 261 with glutamine.
Molecular consequence: missense variant.
Genome position (GRCh38, 1-based): chr4:163,140,318, G>T on the plus strand (C>A on the coding strand, the complement: NAF1 is on the minus strand). VCF-style: chr4-163140318-G-T. GRCh37 (hg19) VCF-style: chr4-164061470-G-T.
Other names: c.783C>A (NM_138386.2); c.783C>A, p.His261Gln (NM_001128931.2); short protein forms H261Q.
Identifiers: ClinVar variation 2874606 (VCV002874606.4), dbSNP rs575910447, ClinGen allele CA3126263.